The following is an entry in ClinVar:

NM_080425.4(GNAS):c.1108G>C (p.Gly370Arg)

Gene: GNAS (GNAS complex locus; plus strand). Cytogenetic location: 20q13.32.
Variant type: single nucleotide variant.
Coding change: c.1108G>C on transcript NM_080425.4 (MANE Plus Clinical); coding-DNA position 1108, G replaced by C.
Protein change: p.Gly370Arg; replaces glycine 370 with arginine.
Molecular consequence: missense variant. On other transcripts: intron variant (3).
Genome position (GRCh38, 1-based): chr20:58,854,373, G>C. VCF-style: chr20-58854373-G-C. GRCh37 (hg19) VCF-style: chr20-57429428-G-C.
Other names: c.921G>C, p.Arg307Ser (NM_001077490.3, NM_001309883.1); c.1108G>C, p.Gly370Arg (NM_001410913.1); c.*42+13487G>C (NM_016592.5); c.43+13487G>C (NM_001410912.1); c.-39+12498G>C (NM_001309861.2); short protein forms R307S, G370R.
Identifiers: ClinVar variation 4988124 (VCV004988124.1).

ClinVar aggregate classification (germline): Uncertain significance (1 of 4 stars; one submission).

Conditions:
GNAS-related disorder. Identifiers: MedGen CN380105.

gnomAD v4.1: 4 of 1,572,296 alleles (0.00025%); highest among the groups gnomAD compares: African/African-American, 0.0041%; no homozygotes.

Submission:

PreventionGenetics, part of Exact Sciences
Classification: Uncertain significance for GNAS-related condition. Last evaluated: 2025-11-10. Review status: criteria provided, single submitter. Criteria: ACMG Guidelines, 2015. Collection method: clinical testing. Allele origin: germline.
Comment: The GNAS c.1108G>C variant is predicted to result in the amino acid substitution p.Gly370Arg. To our knowledge, this variant has not been reported in the literature. This variant is reported in 0.017% of alleles in individuals of African descent in gnomAD, which may be too common to be a primary cause of disease. Although we suspect that this variant may be benign, at this time, the clinical significance of this variant is uncertain due to the absence of conclusive functional and genetic evidence.